The following is an entry in ClinVar:

NM_005514.8(HLA-B):c.368A>T (p.Tyr123Phe)

Gene: HLA-B (major histocompatibility complex, class I, B; minus strand). Cytogenetic location: 6p21.33.
Variant type: single nucleotide variant.
Coding change: c.368A>T on transcript NM_005514.8 (MANE Select); coding-DNA position 368, A replaced by T.
Protein change: p.Tyr123Phe; replaces tyrosine 123 with phenylalanine.
Molecular consequence: missense variant.
Genome position (GRCh38, 1-based): chr6:31,356,418, T>A on the plus strand (A>T on the coding strand, the complement: HLA-B is on the minus strand). VCF-style: chr6-31356418-T-A. GRCh37 (hg19) VCF-style: chr6-31324195-T-A.
Other names: short protein forms Y123F.
Identifiers: ClinVar variation 2656394 (VCV002656394.24), dbSNP rs151341218, ClinGen allele CA3711617.
Genomic context (GRCh38, chr6:31,356,418, plus strand): 5'-TCGTAGGCGTACTGGTCATGCCCGCGGAGGAGGCGCCCGTCCGGCCCCACGTCGCAGCCG[T>A]ACATGCTCTGGAGGGTGTGAGACCCTGGCCCCGGCCCCGCGGTCAGCCCAGTCCCCCGAG-3'
Protein context (NP_005505.2, residues 113-133): EAGSHTLQSM[Tyr123Phe]GCDVGPDGRL

ClinVar aggregate classification (germline): Likely benign (1 of 4 stars; one submission).

Allele frequency attached by ClinVar (database versions not stated): 1000 Genomes Project 30x 0.00281.

Submission:

CeGaT Center for Human Genetics Tuebingen
Classification: Likely benign. Last evaluated: 2023-07-01. Review status: criteria provided, single submitter. Criteria: CeGaT Center For Human Genetics Tuebingen Variant Classification Criteria Version 2. Collection method: clinical testing. Allele origin: germline. Affected: yes. Observed: 2 variant alleles.
Comment: HLA-B: BP4, BS2